The following is an entry in ClinVar:

ClinVar aggregate classification (germline): Uncertain significance (1 of 4 stars; one submission).

Conditions:
PTPRQ-related disorder. Also called: PTPRQ-related condition.

gnomAD v4.1: 6 of 1,550,824 alleles (0.00039%); highest among the groups gnomAD compares: Admixed American, 0.012%; no homozygotes.

Submission:

PreventionGenetics, part of Exact Sciences
Classification: Uncertain significance for PTPRQ-related condition. Last evaluated: 2024-10-29. Review status: criteria provided, single submitter. Criteria: ACMG Guidelines, 2015. Collection method: clinical testing. Allele origin: germline.
Comment: The PTPRQ c.3536G>A variant is predicted to result in the amino acid substitution p.Gly1179Asp. To our knowledge, this variant has not been reported in the literature. This variant is reported in 0.0081% of alleles in individuals of Latino descent in gnomAD. At this time, the clinical significance of this variant is uncertain due to the absence of conclusive functional and genetic evidence.

NM_001145026.2(PTPRQ):c.3536G>A (p.Gly1179Asp)

Gene: PTPRQ (protein tyrosine phosphatase receptor type Q; plus strand). Cytogenetic location: 12q21.31.
Variant type: single nucleotide variant.
Coding change: c.3536G>A on transcript NM_001145026.2 (MANE Select); coding-DNA position 3536, G replaced by A.
Protein change: p.Gly1179Asp; replaces glycine 1179 with aspartic acid.
Molecular consequence: missense variant.
Genome position (GRCh38, 1-based): chr12:80,542,179, G>A. VCF-style: chr12-80542179-G-A. GRCh37 (hg19) VCF-style: chr12-80935958-G-A.
Other names: short protein forms G1179D.
Identifiers: ClinVar variation 4977739 (VCV004977739.1).
Genomic context (GRCh38, chr12:80,542,179, plus strand): 5'-TTAAAAACCTTTCCTCTACCTCAGTTCTCTTATCATGGGATCCCCCAGTAAAGCCAAATG[G>A]TGCAATAATAAGTTATGATTTAACTTTACAAGGACCAAATGAAAATTATTCTTTCATTAC-3'
Protein context (NP_001138498.1, residues 1169-1189): LSWDPPVKPN[Gly1179Asp]AIISYDLTLQ